The following is an entry in ClinVar:

ClinVar aggregate classification (germline): Uncertain significance. Review status: criteria provided, multiple submitters, no conflicts (2 of 4 stars). 3 submissions from 3 submitters: Uncertain significance (3). Last evaluated 2024-03-20.

Conditions:
Combined immunodeficiency due to DOCK8 deficiency (HIES2). Also called: HIES autosomal recessive; Hyper-IgE recurrent infection syndrome, autosomal recessive; DOCK8 Deficiency; HYPER-IgE RECURRENT INFECTION SYNDROME 2, AUTOSOMAL RECESSIVE; HYPER-IgE SYNDROME 2, AUTOSOMAL RECESSIVE, WITH RECURRENT INFECTIONS. Identifiers: Orphanet 217390, MedGen C4722305, MONDO:0009478, OMIM 243700.

Allele frequency attached by ClinVar (database versions not stated): gnomAD exomes 0.00001; ExAC 0.00002; TOPMed 0.00003; gnomAD 0.00004.
gnomAD v4.1: 49 of 1,614,038 alleles (0.003%); highest among the groups gnomAD compares: Middle Eastern, 0.016%; no homozygotes.

Submissions (3):

Institute of Human Genetics, University of Leipzig Medical Center
Classification: Uncertain significance for Combined immunodeficiency due to DOCK8 deficiency. Last evaluated: 2024-03-20. Review status: criteria provided, single submitter. Criteria: ACMG Guidelines, 2015. Collection method: clinical testing. Allele origin: unknown. Inheritance: Autosomal recessive inheritance. Affected: yes.
Comment: Criteria applied: PM2_SUP,PP3,BP1

Labcorp Genetics (formerly Invitae), Labcorp
Classification: Uncertain significance for Combined immunodeficiency due to DOCK8 deficiency. Last evaluated: 2022-06-13. Review status: criteria provided, single submitter. Criteria: Invitae Variant Classification Sherloc (09022015). Collection method: clinical testing. Allele origin: germline.
Comment: This sequence change replaces leucine, which is neutral and non-polar, with phenylalanine, which is neutral and non-polar, at codon 1162 of the DOCK8 protein (p.Leu1162Phe). This variant is present in population databases (rs757455782, gnomAD 0.008%). This variant has not been reported in the literature in individuals affected with DOCK8-related conditions. ClinVar contains an entry for this variant (Variation ID: 1006284). Algorithms developed to predict the effect of missense changes on protein structure and function are either unavailable or do not agree on the potential impact of this missense change (SIFT: "Tolerated"; PolyPhen-2: "Probably Damaging"; Align-GVGD: "Class C0"). In summary, the available evidence is currently insufficient to determine the role of this variant in disease. Therefore, it has been classified as a Variant of Uncertain Significance.

Baylor Genetics
Classification: Uncertain significance for Combined immunodeficiency due to DOCK8 deficiency. Last evaluated: 2018-03-03. Review status: criteria provided, single submitter. Criteria: ACMG Guidelines, 2015. Collection method: clinical testing. Allele origin: unknown. Affected: yes.
Comment: This variant was determined to be of uncertain significance according to ACMG Guidelines, 2015 [PMID:25741868].

NM_203447.4(DOCK8):c.3484C>T (p.Leu1162Phe)

Gene: DOCK8 (dedicator of cytokinesis 8; plus strand). Cytogenetic location: 9p24.3.
Variant type: single nucleotide variant.
Coding change: c.3484C>T on transcript NM_203447.4 (MANE Select); coding-DNA position 3484, C replaced by T.
Protein change: p.Leu1162Phe; replaces leucine 1162 with phenylalanine.
Molecular consequence: missense variant.
Genome position (GRCh38, 1-based): chr9:407,023, C>T. VCF-style: chr9-407023-C-T. GRCh37 (hg19) VCF-style: chr9-407023-C-T.
Other names: c.3184C>T, p.Leu1062Phe (NM_001190458.2); c.3280C>T, p.Leu1094Phe (NM_001193536.2); short protein forms L1062F, L1094F, L1162F.
Identifiers: ClinVar variation 1006284 (VCV001006284.8), dbSNP rs757455782, ClinGen allele CA4958700.